The following is an entry in ClinVar:

ClinVar aggregate classification (germline): Pathogenic/Likely pathogenic. Review status: criteria provided, multiple submitters, no conflicts (2 of 4 stars). 3 submissions from 3 submitters: Pathogenic (1); Likely pathogenic (2). Last evaluated 2024-01-31.

Conditions:
COL11A2-related disorder. Also called: COL11A2-related condition; COL11A2-related disorders.

Allele frequency attached by ClinVar (database versions not stated): gnomAD exomes below 0.00001; TOPMed 0.00001.
gnomAD v4.1: 4 of 1,612,994 alleles (0.00025%); highest among the groups gnomAD compares: Non-Finnish European, 0.00034%; no homozygotes.

Submissions (3):

Labcorp Genetics (formerly Invitae), Labcorp
Classification: Pathogenic. Last evaluated: 2024-01-31. Review status: criteria provided, single submitter. Criteria: Invitae Variant Classification Sherloc (09022015). Collection method: clinical testing. Allele origin: germline.
Comment: This sequence change creates a premature translational stop signal (p.Arg170*) in the COL11A2 gene. It is expected to result in an absent or disrupted protein product. Loss-of-function variants in COL11A2 are known to be pathogenic (PMID: 10677296, 21204229). This variant is not present in population databases (gnomAD no frequency). This variant has not been reported in the literature in individuals affected with COL11A2-related conditions. ClinVar contains an entry for this variant (Variation ID: 1712692). For these reasons, this variant has been classified as Pathogenic.

GeneDx
Classification: Likely pathogenic. Last evaluated: 2022-10-26. Review status: criteria provided, single submitter. Criteria: GeneDx Variant Classification Process June 2021. Collection method: clinical testing. Allele origin: germline. Affected: yes.
Comment: Nonsense variant predicted to result in protein truncation or nonsense mediated decay in a gene for which loss-of-function is a known mechanism of disease; Not observed at significant frequency in large population cohorts (gnomAD); Has not been previously published as pathogenic or benign to our knowledge

Blueprint Genetics
Classification: Likely pathogenic for COL11A2-related disorders. Last evaluated: 2021-12-17. Review status: criteria provided, single submitter. Criteria: ACMG Guidelines, 2015. Collection method: clinical testing. Allele origin: germline. Affected: yes. Observed: 4 variant alleles.

Literature cited by the submitters: PubMed 10677296 (cited by Labcorp Genetics (formerly Invitae), Labcorp); PubMed 21204229 (cited by Labcorp Genetics (formerly Invitae), Labcorp).

NM_080680.3(COL11A2):c.508C>T (p.Arg170Ter)

Gene: COL11A2 (collagen type XI alpha 2 chain; minus strand). Cytogenetic location: 6p21.32.
Variant type: single nucleotide variant.
Coding change: c.508C>T on transcript NM_080680.3 (MANE Select); coding-DNA position 508, C replaced by T.
Protein change: p.Arg170Ter; replaces arginine 170 with a stop codon.
Molecular consequence: nonsense.
Genome position (GRCh38, 1-based): chr6:33,188,460, G>A on the plus strand (C>T on the coding strand, the complement: COL11A2 is on the minus strand). VCF-style: chr6-33188460-G-A. GRCh37 (hg19) VCF-style: chr6-33156237-G-A.
Other names: c.508C>T, p.Arg170Ter (NM_001163771.2, NM_080679.3, NM_080681.3); short protein forms R170*.
Identifiers: ClinVar variation 1712692 (VCV001712692.6), dbSNP rs1772690053, ClinGen allele CA363611547.
Genomic context (GRCh38, chr6:33,188,460, plus strand): 5'-TGATCACTCCATGGGTGTCCAATACTGGACGAGCACTTCGGGGGAGAGGCCGGGTGACTC[G>A]CTTCTTGCAGTCAACAATGAGGGTGACAGACTGGCCCTTCACAGCCACAGCCACACGGTG-3'